The following is an entry in ClinVar:

ClinVar aggregate classification (germline): Uncertain significance (1 of 4 stars; one submission).

Conditions:
Dilated cardiomyopathy 1DD (CMD1DD). Identifiers: Orphanet 154, MedGen C2750995, MONDO:0013168, OMIM 613172.

Submission:

Helix
Classification: Uncertain significance for Dilated cardiomyopathy 1DD. Last evaluated: 2026-03-04. Review status: criteria provided, single submitter. Criteria: ACMG Guidelines, 2015. Collection method: clinical testing. Allele origin: germline. Inheritance: Autosomal dominant inheritance.
Comment: This variant (NM_001134363.3:c.1951A>G p.Ser651Gly) results in the substitution of serine with glycine at codon 651 in the RBM20 protein. It is a rare variant that is absent from the large gnomAD population database (v4.1). To our knowledge, this variant has not been reported in individuals with RBM20-related conditions in the published literature. In silico prediction from REVEL (PMID: 27666373) is indeterminate. In conclusion, since the available evidence is limited, the clinical significance of this variant is unclear at this time. Therefore, it is classified as a Variant of Uncertain Significance.

NM_001134363.3(RBM20):c.1951A>G (p.Ser651Gly)

Gene: RBM20 (RNA binding motif protein 20; plus strand). Cytogenetic location: 10q25.2.
Variant type: single nucleotide variant.
Coding change: c.1951A>G on transcript NM_001134363.3 (MANE Select); coding-DNA position 1951, A replaced by G.
Protein change: p.Ser651Gly; replaces serine 651 with glycine.
Molecular consequence: missense variant.
Genome position (GRCh38, 1-based): chr10:110,812,348, A>G. VCF-style: chr10-110812348-A-G. GRCh37 (hg19) VCF-style: chr10-112572106-A-G.
Other names: short protein forms S651G.
Identifiers: ClinVar variation 4890804 (VCV004890804.1).
Genomic context (GRCh38, chr10:110,812,348, plus strand): 5'-GAAAGGCCGCGGTCTCGTAGTCCGGTGAGCCGGTCACTCTCCCCGAGGTCCCACACTCCC[A>G]GCTTCACCTCCTGCAGCTCTTCCCACAGCCCTCCGGGCCCCTCCCGGGCTGACTGGGGCA-3'
Protein context (NP_001127835.2, residues 641-661): RSLSPRSHTP[Ser651Gly]FTSCSSSHSP